The following is an entry in ClinVar:

NM_000051.4(ATM):c.726T>C (p.Thr242=)

Gene: ATM (ATM serine/threonine kinase; plus strand). Cytogenetic location: 11q22.3.
Variant type: single nucleotide variant.
Coding change: c.726T>C on transcript NM_000051.4 (MANE Select); coding-DNA position 726, T replaced by C.
Protein change: p.Thr242=; no amino-acid change (threonine 242 retained).
Molecular consequence: synonymous variant.
Genome position (GRCh38, 1-based): chr11:108,244,851, T>C. VCF-style: chr11-108244851-T-C. GRCh37 (hg19) VCF-style: chr11-108115578-T-C.
Other names: c.726T>C, p.Thr242= (NM_001351834.2).
Identifiers: ClinVar variation 481143 (VCV000481143.9), dbSNP rs1555067070, ClinGen allele CA476744663.

ClinVar aggregate classification (germline): Benign/Likely benign. Review status: criteria provided, multiple submitters, no conflicts (2 of 4 stars). 3 submissions from 3 submitters: Benign (1); Likely benign (2). Last evaluated 2024-04-22.

Conditions:
Hereditary cancer-predisposing syndrome. Also called: Hereditary neoplastic syndrome; Neoplastic Syndromes, Hereditary; Tumor predisposition; Hereditary Cancer Syndrome. Identifiers: Orphanet 140162, MedGen C0027672, MeSH D009386, MONDO:0015356.
Familial cancer of breast. Also called: BREAST CANCER, FAMILIAL; Hereditary breast cancer; hereditary breast carcinoma. Identifiers: Orphanet 227535, MedGen C0346153, MONDO:0016419, OMIM 114480. Disease mechanism: loss of function.
Ataxia-telangiectasia syndrome (AT). Also called: LOUIS-BAR SYNDROME; Cerebello-oculocutaneous telangiectasia; Immunodeficiency with ataxia telangiectasia; AT, COMPLEMENTATION GROUP C; Ataxia-telangiectasia, complementation group D; ATAXIA-TELANGIECTASIA, COMPLEMENTATION GROUP A. Identifiers: Orphanet 100, MedGen C0004135, MONDO:0008840, OMIM 208900.

Submissions (3):

Myriad Genetics, Inc.
Classification: Benign for Familial cancer of breast. Last evaluated: 2024-04-22. Review status: criteria provided, single submitter. Criteria: Myriad Autosomal Dominant, Autosomal Recessive and X-Linked Classification Criteria (2023). Collection method: clinical testing. Allele origin: unknown.
Comment: This variant is considered benign. This variant is a silent/synonymous amino acid change and it is not expected to impact splicing.

Labcorp Genetics (formerly Invitae), Labcorp
Classification: Likely benign for Ataxia-telangiectasia syndrome. Last evaluated: 2022-11-04. Review status: criteria provided, single submitter. Criteria: Invitae Variant Classification Sherloc (09022015). Collection method: clinical testing. Allele origin: germline.

Ambry Genetics
Classification: Likely benign for Hereditary cancer-predisposing syndrome. Last evaluated: 2017-04-17. Review status: criteria provided, single submitter. Criteria: Ambry Variant Classification Scheme 2023. Collection method: clinical testing. Allele origin: germline.